The following is an entry in ClinVar:

ClinVar aggregate classification (germline): Likely pathogenic (1 of 4 stars; one submission).

Conditions:
Hereditary cancer-predisposing syndrome. Also called: Neoplastic Syndromes, Hereditary; Tumor predisposition; Hereditary Cancer Syndrome; Hereditary neoplastic syndrome. Identifiers: Orphanet 140162, MedGen C0027672, MeSH D009386, MONDO:0015356.

Allele frequency attached by ClinVar (database versions not stated): gnomAD exomes below 0.00001.
gnomAD v4.1: 3 of 1,503,268 alleles (0.0002%); highest among the groups gnomAD compares: Non-Finnish European, 0.00028%; no homozygotes.

Submission:

Ambry Genetics
Classification: Likely pathogenic for Hereditary cancer-predisposing syndrome. Last evaluated: 2020-05-21. Review status: criteria provided, single submitter. Criteria: Ambry Variant Classification Scheme 2023. Collection method: clinical testing. Allele origin: germline.
Comment: The p.L16* variant (also known as c.47T>G), located in coding exon 2 of the MRE11A gene, results from a T to G substitution at nucleotide position 47. This changes the amino acid from a leucine to a stop codon within coding exon 2. This alteration is expected to result in loss of function by premature protein truncation or nonsense-mediated mRNA decay; however, there is an in-frame methionine 26 amino acids downstream of the initiation site, which may act as an alternative initiation codon and result in an N-terminal truncation, although direct evidence is unavailable. The N-terminus of this protein is known to be functionally/structurally important (Park YB et al. Structure. 2011 Nov;19:1591-602). Since sequence variations that modify the initiation codon (ATG) are expected to result in either loss of translation initiation, N-terminal truncation, or cause a shift in the mRNA reading frame, this alteration is interpreted as likely pathogenic.

Literature cited by the submitters: PubMed 22078559.

NM_005591.4(MRE11):c.47T>G (p.Leu16Ter)

Gene: MRE11 (MRE11 double strand break repair nuclease; minus strand). Cytogenetic location: 11q21.
Variant type: single nucleotide variant.
Coding change: c.47T>G on transcript NM_005591.4 (MANE Select); coding-DNA position 47, T replaced by G.
Protein change: p.Leu16Ter; replaces leucine 16 with a stop codon.
Molecular consequence: nonsense.
Genome position (GRCh38, 1-based): chr11:94,490,939, A>C on the plus strand (T>G on the coding strand, the complement: MRE11 is on the minus strand). VCF-style: chr11-94490939-A-C. GRCh37 (hg19) VCF-style: chr11-94224105-A-C.
Other names: c.47T>G, p.Leu16Ter (NM_001330347.2, NM_005590.4); short protein forms L16*.
Identifiers: ClinVar variation 1800305 (VCV001800305.2), dbSNP rs2496653723, ClinGen allele CA382381052.